The following is an entry in ClinVar:

ClinVar aggregate classification (germline): Uncertain significance (1 of 4 stars; one submission).

Conditions:
Malignant hyperthermia, susceptibility to, 1 (MHS1). Also called: Anesthesia related hyperthermia; Malignant hyperpyrexia; Fulminating hyperpyrexia; Pharmacogenic myopathy; RYR1-Related Malignant Hyperthermia Susceptibility; Malignant hyperthermia suceptibility 1. Identifiers: Orphanet 423, MedGen C2930980, MONDO:0007783, OMIM 145600.

Submission:

All of Us Research Program, National Institutes of Health
Classification: Uncertain significance for Malignant hyperthermia, susceptibility to, 1. Last evaluated: 2023-05-04. Review status: criteria provided, single submitter. Criteria: ACMG Guidelines, 2015. Collection method: clinical testing. Allele origin: germline. Inheritance: Autosomal dominant inheritance. Observed: 1 variant allele, 1 heterozygote.
Comment: This variant causes a G to T nucleotide substitution at the +1 position of intron 87 of the RYR1 gene. Splice site prediction tools suggest that this variant may have a significant impact on RNA splicing. Although this prediction has not been confirmed in published RNA studies, this variant is expected to result in an absent or disrupted protein product. This variant has not been reported in individuals affected with RYR1-related disorders in the literature. Loss of RYR1 function due to haploinsufficiency is associated with congenital myopathy, but it is not an established disease mechanism for autosomal dominant malignant hyperthermia susceptibility. This variant has not been identified in the general population by the Genome Aggregation Database (gnomAD). Due to insufficient evidence, this variant is classified as a Variant of Uncertain Significance for autosomal dominant malignant hyperthermia.

This study involves interpretation of variants in research participants for the purpose of population health screening. Participant phenotype was not available at the time of variant classification. Additional details can be found in publication PMID: 35346344, PMCID: PMC8962531

NM_000540.3(RYR1):c.12012+1G>T

Gene: RYR1 (ryanodine receptor 1; plus strand). Cytogenetic location: 19q13.2.
Variant type: single nucleotide variant.
Coding change: c.12012+1G>T on transcript NM_000540.3 (MANE Select); the canonical splice donor site of the intron after coding-DNA position 12012, G replaced by T.
Molecular consequence: splice donor variant.
Genome position (GRCh38, 1-based): chr19:38,543,876, G>T. VCF-style: chr19-38543876-G-T. GRCh37 (hg19) VCF-style: chr19-39034516-G-T.
Other names: c.11997+1G>T (NM_001042723.2).
Identifiers: ClinVar variation 3070876 (VCV003070876.1), dbSNP rs2514579740, ClinGen allele CA405663071.